The following is an entry in ClinVar:

NM_001166114.2(PNPLA6):c.2953G>C (p.Gly985Arg)

Gene: PNPLA6 (patatin like domain 6, lysophospholipase; plus strand). Cytogenetic location: 19p13.2.
Variant type: single nucleotide variant.
Coding change: c.2953G>C on transcript NM_001166114.2 (MANE Select); coding-DNA position 2953, G replaced by C.
Protein change: p.Gly985Arg; replaces glycine 985 with arginine.
Molecular consequence: missense variant.
Genome position (GRCh38, 1-based): chr19:7,555,623, G>C. VCF-style: chr19-7555623-G-C. GRCh37 (hg19) VCF-style: chr19-7620509-G-C.
Other names: c.2983G>C, p.Gly995Arg (NM_001166111.2); c.2758G>C, p.Gly920Arg (NM_001166112.2); c.2839G>C, p.Gly947Arg (NM_001166113.1, NM_006702.5); short protein forms G995R, G985R, G920R, G947R.
Identifiers: ClinVar variation 2832888 (VCV002832888.3), dbSNP rs2512555589, ClinGen allele CA403131267.

ClinVar aggregate classification (germline): Uncertain significance (1 of 4 stars; one submission).

Conditions:
Hereditary spastic paraplegia 39 (SPG39). Also called: SPASTIC PARAPLEGIA 39, AUTOSOMAL RECESSIVE; Spastic Paraplegia Type 39 (SPG39). Identifiers: Orphanet 139480, MedGen C2677586, MONDO:0012787, OMIM 612020.

gnomAD v4.1: 2 of 1,612,280 alleles (0.00012%); highest among the groups gnomAD compares: Non-Finnish European, 0.00017%; no homozygotes.

Submission:

Labcorp Genetics (formerly Invitae), Labcorp
Classification: Uncertain significance for Hereditary spastic paraplegia 39. Last evaluated: 2023-09-08. Review status: criteria provided, single submitter. Criteria: Invitae Variant Classification Sherloc (09022015). Collection method: clinical testing. Allele origin: germline.
Comment: In summary, the available evidence is currently insufficient to determine the role of this variant in disease. Therefore, it has been classified as a Variant of Uncertain Significance. Advanced modeling of protein sequence and biophysical properties (such as structural, functional, and spatial information, amino acid conservation, physicochemical variation, residue mobility, and thermodynamic stability) performed at Invitae indicates that this missense variant is expected to disrupt PNPLA6 protein function. This variant has not been reported in the literature in individuals affected with PNPLA6-related conditions. This variant is not present in population databases (gnomAD no frequency). This sequence change replaces glycine, which is neutral and non-polar, with arginine, which is basic and polar, at codon 947 of the PNPLA6 protein (p.Gly947Arg).